The following is an entry in ClinVar:

NM_006790.3(MYOT):c.650A>G (p.His217Arg)

Genes: PKD2L2-DT (PKD2L2 divergent transcript; minus strand), MYOT (myotilin; plus strand). Cytogenetic location: 5q31.2.
Variant type: single nucleotide variant.
Coding change: c.650A>G on transcript NM_006790.3 (MANE Select); coding-DNA position 650, A replaced by G.
Protein change: p.His217Arg; replaces histidine 217 with arginine.
Molecular consequence: missense variant.
Genome position (GRCh38, 1-based): chr5:137,880,832, A>G. VCF-style: chr5-137880832-A-G. GRCh37 (hg19) VCF-style: chr5-137216521-A-G.
Other names: c.98A>G, p.His33Arg (NM_001135940.2); c.305A>G, p.His102Arg (NM_001300911.2); short protein forms H102R, H33R, H217R.
Identifiers: ClinVar variation 662891 (VCV000662891.9), dbSNP rs758565747, ClinGen allele CA3422994.

ClinVar aggregate classification (germline): Uncertain significance (1 of 4 stars; one submission).

Conditions:
Myofibrillar myopathy 3 (MFM3). Also called: Muscular dystrophy, proximal, type 1A; Autosomal dominant spheroid body myopathy. Identifiers: Orphanet 266, Orphanet 268129, MedGen C3714934, MONDO:0012215, OMIM 609200.

Allele frequency attached by ClinVar (database versions not stated): gnomAD exomes below 0.00001 and 0.00002; TOPMed below 0.00001; gnomAD 0.00001; ExAC 0.00002.
gnomAD v4.1: 8 of 1,612,838 alleles (0.0005%); highest among the groups gnomAD compares: African/African-American, 0.0027%; no homozygotes.

Submission:

Labcorp Genetics (formerly Invitae), Labcorp
Classification: Uncertain significance for Myofibrillar myopathy 3. Last evaluated: 2023-11-27. Review status: criteria provided, single submitter. Criteria: Invitae Variant Classification Sherloc (09022015). Collection method: clinical testing. Allele origin: germline.
Comment: This sequence change replaces histidine, which is basic and polar, with arginine, which is basic and polar, at codon 217 of the MYOT protein (p.His217Arg). This variant is present in population databases (rs758565747, gnomAD 0.01%). This variant has not been reported in the literature in individuals affected with MYOT-related conditions. ClinVar contains an entry for this variant (Variation ID: 662891). An algorithm developed to predict the effect of missense changes on protein structure and function (PolyPhen-2) suggests that this variant is likely to be tolerated. In summary, the available evidence is currently insufficient to determine the role of this variant in disease. Therefore, it has been classified as a Variant of Uncertain Significance.